The following is an entry in ClinVar:

NM_002691.4(POLD1):c.2727G>A (p.Lys909=)

Gene: POLD1 (DNA polymerase delta 1, catalytic subunit; plus strand). Cytogenetic location: 19q13.33.
Variant type: single nucleotide variant.
Coding change: c.2727G>A on transcript NM_002691.4 (MANE Select); coding-DNA position 2727, G replaced by A.
Protein change: p.Lys909=; no amino-acid change (lysine 909 retained).
Molecular consequence: synonymous variant.
Genome position (GRCh38, 1-based): chr19:50,415,733, G>A. VCF-style: chr19-50415733-G-A. GRCh37 (hg19) VCF-style: chr19-50918990-G-A.
Other names: p.Lys909=; c.2727G>A, p.Lys909= (LRG_785t1, NM_001256849.1); c.2805G>A, p.Lys935= (LRG_785t2, NM_001308632.1).
Identifiers: ClinVar variation 382312 (VCV000382312.56), dbSNP rs753176146, ClinGen allele CA9596646.
Genomic context (GRCh38, chr19:50,415,733, plus strand): 5'-ACCCCCGCCACCCACCTGCCCTCACCCACCCGCCACCCCATCTCCACGCAGGATGAGGAA[G>A]CGGGACCCCGGGAGTGCGCCCAGCCTGGGCGACCGCGTCCCCTACGTGATCATCAGTGCC-3'
Protein context (NP_002682.2, residues 899-919): AHVELAERMR[Lys909=]RDPGSAPSLG

ClinVar aggregate classification (germline): Likely benign. Review status: criteria provided, multiple submitters, no conflicts (2 of 4 stars). 11 submissions from 11 submitters: Likely benign (11). Last evaluated 2026-09-01.

Conditions:
Immunodeficiency 120. Identifiers: MedGen C5935622, MONDO:0970994, OMIM 620836.
POLD1-related polyposis and colorectal cancer syndrome (CRCS10). Also called: Colorectal cancer 10; Colorectal cancer, susceptibility to, 10; COLORECTAL CANCER, SUSCEPTIBILITY TO, ON CHROMOSOME 19q. Identifiers: Orphanet 220460, MedGen C2675481, MONDO:0012953, OMIM 612591.
Mandibular hypoplasia-deafness-progeroid syndrome. Also called: Mandibular hypoplasia, deafness, progeroid features, and lipodystrophy syndrome. Identifiers: Orphanet 363649, MedGen C3715192, MONDO:0014157, OMIM 615381.
Hereditary cancer-predisposing syndrome. Also called: Hereditary neoplastic syndrome; Neoplastic Syndromes, Hereditary; Hereditary Cancer Syndrome; Tumor predisposition. Identifiers: Orphanet 140162, MedGen C0027672, MeSH D009386, MONDO:0015356.

Allele frequency attached by ClinVar (database versions not stated): gnomAD exomes 0.00006 and 0.00014; TOPMed 0.00011; ExAC 0.00012; gnomAD 0.00012 and 0.00013.
gnomAD v4.1: 198 of 1,494,538 alleles (0.013%); highest among the groups gnomAD compares: Non-Finnish European, 0.017%; no homozygotes.

Submissions (11):

CeGaT Center for Human Genetics Tuebingen
Classification: Likely benign. Last evaluated: 2026-09-01. Review status: criteria provided, single submitter. Criteria: CeGaT Center For Human Genetics Tuebingen Variant Classification Criteria Version 2. Collection method: clinical testing. Allele origin: germline. Affected: yes. Observed: 3 variant alleles.
Comment: POLD1: BP4, BP7

Labcorp Genetics (formerly Invitae), Labcorp
Classification: Likely benign for POLD1-related polyposis and colorectal cancer syndrome. Last evaluated: 2026-01-28. Review status: criteria provided, single submitter. Criteria: Invitae Variant Classification Sherloc (09022015). Collection method: clinical testing. Allele origin: germline.

Center for Genomic Medicine, Rigshospitalet, Copenhagen University Hospital
Classification: Likely benign. Last evaluated: 2025-03-04. Review status: criteria provided, single submitter. Criteria: ACMG Guidelines, 2015. Collection method: clinical testing. Allele origin: germline.

Blueprint Genetics
Classification: Likely benign. Last evaluated: 2024-10-22. Review status: criteria provided, single submitter. Criteria: ACMG Guidelines, 2015. Collection method: clinical testing. Allele origin: germline.

Mayo Clinic Laboratories, Mayo Clinic
Classification: Likely benign. Last evaluated: 2024-07-01. Review status: criteria provided, single submitter. Criteria: ACMG Guidelines, 2015. Collection method: clinical testing. Allele origin: germline. Observed: 2 variant alleles.
Comment: BP4, BP7

Department of Pathology and Laboratory Medicine, Sinai Health System
Classification: Likely benign for POLD1-related polyposis and colorectal cancer syndrome; Mandibular hypoplasia-deafness-progeroid syndrome; Immunodeficiency 120. Last evaluated: 2023-03-31. Review status: criteria provided, single submitter. Criteria: ACMG Guidelines, 2015. Collection method: clinical testing. Allele origin: germline. Affected: yes.

Genetic Services Laboratory, University of Chicago
Classification: Likely benign. Last evaluated: 2020-03-09. Review status: criteria provided, single submitter. Criteria: ACMG Guidelines, 2015. Collection method: clinical testing. Allele origin: germline. Affected: no.

Quest Diagnostics Nichols Institute San Juan Capistrano
Classification: Likely benign. Last evaluated: 2019-06-16. Review status: criteria provided, single submitter. Criteria: Quest Diagnostics criteria. Collection method: clinical testing. Allele origin: germline.

GeneDx
Classification: Likely benign. Last evaluated: 2018-03-13. Review status: criteria provided, single submitter. Criteria: GeneDx Variant Classification (06012015). Collection method: clinical testing. Allele origin: germline. Affected: yes.
Comment: This variant is considered likely benign or benign based on one or more of the following criteria: it is a conservative change, it occurs at a poorly conserved position in the protein, it is predicted to be benign by multiple in silico algorithms, and/or has population frequency not consistent with disease.

PreventionGenetics, part of Exact Sciences
Classification: Likely benign. Last evaluated: 2018-01-22. Review status: criteria provided, single submitter. Criteria: ACMG Guidelines, 2015. Collection method: clinical testing. Allele origin: germline.

Ambry Genetics
Classification: Likely benign for Hereditary cancer-predisposing syndrome. Last evaluated: 2015-08-12. Review status: criteria provided, single submitter. Criteria: Ambry Variant Classification Scheme 2023. Collection method: clinical testing. Allele origin: germline.